The following is an entry in ClinVar:

ClinVar aggregate classification (germline): Uncertain significance (1 of 4 stars; one submission).

Conditions:
Hereditary nonpolyposis colorectal neoplasms. Identifiers: MedGen C0009405, MeSH D003123.

Submission:

Labcorp Genetics (formerly Invitae), Labcorp
Classification: Uncertain significance for Hereditary nonpolyposis colorectal neoplasms. Last evaluated: 2024-11-25. Review status: criteria provided, single submitter. Criteria: Invitae Variant Classification Sherloc (09022015). Collection method: clinical testing. Allele origin: germline.
Comment: This sequence change falls in intron 4 of the PMS2 gene. It does not directly change the encoded amino acid sequence of the PMS2 protein. RNA analysis indicates that this variant induces altered splicing and may result in an absent or altered protein product. This variant is not present in population databases (gnomAD no frequency). This variant has not been reported in the literature in individuals affected with PMS2-related conditions. Studies have shown that this variant results in activation of a cryptic splice site, and produces a non-functional protein and/or introduces a premature termination codon (internal data). In summary, the available evidence is currently insufficient to determine the role of this variant in disease. Therefore, it has been classified as a Variant of Uncertain Significance.

NM_000535.7(PMS2):c.354-396C>T

Gene: PMS2 (PMS1 homolog 2, mismatch repair system component; minus strand). Cytogenetic location: 7p22.1.
Variant type: single nucleotide variant.
Coding change: c.354-396C>T on transcript NM_000535.7 (MANE Select); 396 bases into the intron before coding-DNA position 354, C replaced by T.
Molecular consequence: intron variant.
Genome position (GRCh38, 1-based): chr7:6,003,032, G>A on the plus strand (C>T on the coding strand, the complement: PMS2 is on the minus strand). VCF-style: chr7-6003032-G-A. GRCh37 (hg19) VCF-style: chr7-6042663-G-A.
Other names: c.-131-221C>T (NM_001406880.1, NM_001406878.1, NM_001406881.1 and 6 more transcripts); c.-52-396C>T (NM_001406890.1, NM_001406891.1, NM_001406899.1 and 24 more transcripts); c.354-396C>T (NM_001406912.1, NM_001322006.2, NM_001406870.1 and 8 more transcripts); c.378-396C>T (NM_001406868.1); c.36-396C>T (NM_001322008.2, NM_001406902.1, NM_001406883.1 and 4 more transcripts); c.-531-396C>T (NM_001322011.2, NM_001322012.2); c.540-396C>T (NM_001406866.1); c.250+940C>T (NM_001406885.1).
Identifiers: ClinVar variation 3726073 (VCV003726073.2).